The following is an entry in ClinVar:

ClinVar aggregate classification (germline): Uncertain significance (1 of 4 stars; one submission).

Conditions:
Supravalvar aortic stenosis (SVAS). Also called: Supravalvar aortic stenosis, Eisenberg type. Identifiers: Orphanet 3193, MedGen C0003499, MONDO:0008504, OMIM 185500, HP:0004381.

Submission:

Labcorp Genetics (formerly Invitae), Labcorp
Classification: Uncertain significance for Supravalvar aortic stenosis. Last evaluated: 2024-05-20. Review status: criteria provided, single submitter. Criteria: Invitae Variant Classification Sherloc (09022015). Collection method: clinical testing. Allele origin: germline.
Comment: This variant, c.1470_1481del, results in the deletion of 4 amino acid(s) of the ELN protein (p.Ala495_Ala498del), but otherwise preserves the integrity of the reading frame. This variant is present in population databases (no rsID available, gnomAD 0.0009%). This variant has not been reported in the literature in individuals affected with ELN-related conditions. Experimental studies and prediction algorithms are not available or were not evaluated, and the functional significance of this variant is currently unknown. In summary, the available evidence is currently insufficient to determine the role of this variant in disease. Therefore, it has been classified as a Variant of Uncertain Significance.

NM_000501.4(ELN):c.1383_1394del (p.462AKAA[1])

Gene: ELN (elastin; plus strand). Cytogenetic location: 7q11.23.
Variant type: Deletion.
Coding change: c.1383_1394del on transcript NM_000501.4 (MANE Select); coding-DNA positions 1383 to 1394, 12 bases deleted (TGCTAAAGCAGC).
Protein change: p.462AKAA[1].
Molecular consequence: inframe deletion. On other transcripts: intron variant (7).
Genome position (GRCh38, 1-based): chr7:74,057,665-74,057,676, TGCTAAAGCAGC deleted; deleting any 12 consecutive bases within chr7:74,057,660-74,057,676 gives the same sequence; the c. name uses the placement nearest the transcript's 3' end. VCF-style (leftmost placement, unchanged base first): chr7-74057659-TGCAGCTGCTAAA-T. GRCh37 (hg19) VCF-style: chr7-73471989-TGCAGCTGCTAAA-T.
Other names: c.1398_1409del, p.467AKAA[1] (NM_001081754.3); c.1383_1394del, p.462AKAA[1] (NM_001278912.2, NM_001278915.2); c.1353_1364del, p.452AKAA[1] (NM_001278917.2); c.1470_1481del, p.491AKAA[1] (NM_001278939.2); c.1372+952_1372+963del (NM_001081753.3); c.1357+952_1357+963del (NM_001081755.3); c.1315+952_1315+963del (NM_001278916.2); c.1171+952_1171+963del (NM_001278913.2); and 3 more.
Identifiers: ClinVar variation 2849401 (VCV002849401.3), dbSNP rs1554681139, ClinGen allele CA575335331.